The following is an entry in ClinVar:

NM_001330071.2(DCLK1):c.1852G>A (p.Asp618Asn)

Gene: DCLK1 (doublecortin like kinase 1; minus strand). Cytogenetic location: 13q13.3.
Variant type: single nucleotide variant.
Coding change: c.1852G>A on transcript NM_001330071.2 (MANE Select); coding-DNA position 1852, G replaced by A.
Protein change: p.Asp618Asn; replaces aspartic acid 618 with asparagine.
Molecular consequence: missense variant.
Genome position (GRCh38, 1-based): chr13:35,808,235, C>T on the plus strand (G>A on the coding strand, the complement: DCLK1 is on the minus strand). VCF-style: chr13-35808235-C-T. GRCh37 (hg19) VCF-style: chr13-36382372-C-T.
Other names: c.931G>A, p.Asp311Asn (NM_001195415.2, NM_001195416.2); c.1852G>A, p.Asp618Asn (NM_001330072.2, NM_004734.5); c.1852G>A (NM_004734.4); short protein forms D311N, D618N.
Identifiers: ClinVar variation 2643769 (VCV002643769.25), dbSNP rs575565299, ClinGen allele CA248140179.

ClinVar aggregate classification (germline): Uncertain significance. Review status: criteria provided, multiple submitters, no conflicts (2 of 4 stars). 2 submissions from 2 submitters: Uncertain significance (2). Last evaluated 2025-08-05.

Allele frequency attached by ClinVar (database versions not stated): gnomAD 0.00001; gnomAD exomes 0.00001; TOPMed 0.00001; 1000 Genomes Project 30x 0.00016; 1000 Genomes Project 0.00020.
gnomAD v4.1: 23 of 1,613,978 alleles (0.0014%); highest among the groups gnomAD compares: Middle Eastern, 0.066%; no homozygotes.

Submissions (2):

Ambry Genetics
Classification: Uncertain significance. Last evaluated: 2025-08-05. Review status: criteria provided, single submitter. Criteria: Ambry Variant Classification Scheme 2023. Collection method: clinical testing. Allele origin: germline.

CeGaT Center for Human Genetics Tuebingen
Classification: Uncertain significance. Last evaluated: 2023-09-01. Review status: criteria provided, single submitter. Criteria: CeGaT Center For Human Genetics Tuebingen Variant Classification Criteria Version 2. Collection method: clinical testing. Allele origin: germline. Affected: yes. Observed: 1 variant allele.
Comment: DCLK1: PP2